The following is an entry in ClinVar:

NM_001395002.1(MAP4K4):c.3131G>T (p.Gly1044Val)

Gene: MAP4K4 (mitogen-activated protein kinase kinase kinase kinase 4; plus strand). Cytogenetic location: 2q11.2.
Variant type: single nucleotide variant.
Coding change: c.3131G>T on transcript NM_001395002.1 (MANE Select); coding-DNA position 3131, G replaced by T.
Protein change: p.Gly1044Val; replaces glycine 1044 with valine.
Molecular consequence: missense variant. On other transcripts: non-coding transcript variant (4).
Genome position (GRCh38, 1-based): chr2:101,874,142, G>T. VCF-style: chr2-101874142-G-T. GRCh37 (hg19) VCF-style: chr2-102490604-G-T.
Other names: c.2696G>T, p.Gly899Val (NM_001242559.2); c.2684G>T, p.Gly895Val (NM_001242560.2); c.2774G>T, p.Gly925Val (NM_001384476.1); c.2963G>T, p.Gly988Val (NM_001384477.1); c.2453G>T, p.Gly818Val (NM_001384478.1); c.2891G>T, p.Gly964Val (NM_001384481.1); c.2444G>T, p.Gly815Val (NM_001384482.1); c.2726G>T, p.Gly909Val (NM_001384483.1); and 39 more; short protein forms G1001V, G1012V, G1041V, G1044V, G809V, G815V, G817V, G818V.
Identifiers: ClinVar variation 4076804 (VCV004076804.1).

ClinVar aggregate classification (germline): Uncertain significance (1 of 4 stars; one submission).

gnomAD v4.1: 4 of 1,613,860 alleles (0.00025%); highest among the groups gnomAD compares: Non-Finnish European, 0.00034%; no homozygotes.

Submission:

GeneDx
Classification: Uncertain significance. Last evaluated: 2025-02-19. Review status: criteria provided, single submitter. Criteria: GeneDx Variant Classification Process June 2021. Collection method: clinical testing. Allele origin: germline. Affected: yes.
Comment: Not observed at significant frequency in large population cohorts (gnomAD); In silico analysis supports that this missense variant has a deleterious effect on protein structure/function; Has not been previously published as pathogenic or benign to our knowledge